The following is an entry in ClinVar:

ClinVar aggregate classification (germline): Conflicting classifications of pathogenicity. Review status: criteria provided, conflicting classifications (1 of 4 stars). 10 submissions from 6 submitters: Uncertain significance (7); Benign (2); Likely benign (1). Last evaluated 2026-06-13.

Conditions:
Early-onset myopathy with fatal cardiomyopathy (CMYO5). Also called: Salih Myopathy; CONGENITAL MYOPATHY 5 WITH CARDIOMYOPATHY. Identifiers: Orphanet 289377, MedGen C2673677, MONDO:0012714, OMIM 611705. Disease mechanism: loss of function.
Autosomal recessive limb-girdle muscular dystrophy type 2J (LGMDR10). Also called: Limb-girdle muscular dystrophy, type 2J; MUSCULAR DYSTROPHY, LIMB-GIRDLE, AUTOSOMAL RECESSIVE 10. Identifiers: Orphanet 140922, MedGen C1837342, MONDO:0012127, OMIM 608807.
Dilated cardiomyopathy 1G (CMD1G). Identifiers: Orphanet 154, MedGen C1858763, MONDO:0011400, OMIM 604145.
Tibial muscular dystrophy (TMD). Also called: Tibial muscular dystrophy, tardive; UDD MYOPATHY; Udd Distal Myopathy – Tibial Muscular Dystrophy. Identifiers: Orphanet 609, MedGen C1838244, MONDO:0010870, OMIM 600334.
Myopathy, myofibrillar, 9, with early respiratory failure (MFM9). Also called: Hereditary myopathy with early respiratory failure; Myopathy, distal, with early respiratory failure, autosomal dominant; EDSTROM MYOPATHY; MYOPATHY, PROXIMAL, WITH EARLY RESPIRATORY MUSCLE INVOLVEMENT. Identifiers: Orphanet 178464, Orphanet 34521, MedGen C1863599, MONDO:0011362, OMIM 603689.

Allele frequency attached by ClinVar (database versions not stated): TOPMed 0.00009.
gnomAD v4.1: 64 of 1,613,564 alleles (0.004%); highest among the groups gnomAD compares: Admixed American, 0.082%; no homozygotes.

Submissions (10):

Women's Health and Genetics/Laboratory Corporation of America, LabCorp
Classification: Uncertain significance. Last evaluated: 2026-06-13. Review status: criteria provided, single submitter. Criteria: LabCorp Variant Classification Summary - May 2015. Collection method: clinical testing. Allele origin: germline.
Comment: Variant summary: TTN NM_133378 c.11056C>G (p.Pro3686Ala), also known as NM_001267550 c.14788C>G p.Pro4930Ala, results in a non-conservative amino acid change in the encoded protein sequence. Algorithms developed to predict the effect of missense changes on protein structure and function are either unavailable or do not agree on the potential impact of this missense change. The variant allele was found at a frequency of 0.00011 in 248544 control chromosomes. This frequency is not significantly higher than estimated for disease-causing variants in TTN, allowing no conclusion about variant significance. To our knowledge, no occurrence of c.11056C>G in individuals affected with TTN-related conditions and no experimental evidence demonstrating its impact on protein function have been reported. ClinVar contains an entry for this variant (Variation ID: 332935). Based on the evidence outlined above, the variant was classified as uncertain significance.

Molecular Diagnostic Laboratory for Inherited Cardiovascular Disease, Montreal Heart Institute
Classification: Likely benign. Last evaluated: 2025-04-09. Review status: criteria provided, single submitter. Criteria: ACMG Guidelines, 2015. Collection method: clinical testing. Allele origin: germline. Affected: no.
Comment: BS1;BP1

Blueprint Genetics
Classification: Uncertain significance. Last evaluated: 2022-01-10. Review status: criteria provided, single submitter. Criteria: ACMG Guidelines, 2015. Collection method: clinical testing. Allele origin: germline.

Illumina Laboratory Services, Illumina
Classification: Benign for Myopathy, myofibrillar, 9, with early respiratory failure. Last evaluated: 2018-01-12. Review status: criteria provided, single submitter. Criteria: ICSL Variant Classification Criteria 13 December 2019. Collection method: clinical testing. Allele origin: germline.
Comment: This variant was observed in the ICSL laboratory as part of a predisposition screen in an ostensibly healthy population. It had not been previously curated by ICSL or reported in the Human Gene Mutation Database (HGMD: prior to June 1st, 2018), and was therefore a candidate for classification through an automated scoring system. Utilizing variant allele frequency, disease prevalence and penetrance estimates, and inheritance mode, an automated score was calculated to assess if this variant is too frequent to cause the disease. Based on the score and internal cut-off values, a variant classified as benign is not then subjected to further curation. The score for this variant resulted in a classification of benign for this disease.

Illumina Laboratory Services, Illumina
Classification: Uncertain significance for Early-onset myopathy with fatal cardiomyopathy. Last evaluated: 2018-01-12. Review status: criteria provided, single submitter. Criteria: ICSL Variant Classification Criteria 13 December 2019. Collection method: clinical testing. Allele origin: germline.

Illumina Laboratory Services, Illumina
Classification: Uncertain significance for Autosomal recessive limb-girdle muscular dystrophy type 2J. Last evaluated: 2018-01-12. Review status: criteria provided, single submitter. Criteria: ICSL Variant Classification Criteria 13 December 2019. Collection method: clinical testing. Allele origin: germline.

Illumina Laboratory Services, Illumina
Classification: Uncertain significance for Dilated cardiomyopathy 1G. Last evaluated: 2018-01-12. Review status: criteria provided, single submitter. Criteria: ICSL Variant Classification Criteria 13 December 2019. Collection method: clinical testing. Allele origin: germline.

Illumina Laboratory Services, Illumina
Classification: Benign for Tibial muscular dystrophy. Last evaluated: 2018-01-12. Review status: criteria provided, single submitter. Criteria: ICSL Variant Classification Criteria 13 December 2019. Collection method: clinical testing. Allele origin: germline.
Comment: the same text as in the submission from Illumina Laboratory Services, Illumina above.

Labcorp Genetics (formerly Invitae), Labcorp
Classification: Uncertain significance for Dilated cardiomyopathy 1G; Autosomal recessive limb-girdle muscular dystrophy type 2J. Last evaluated: 2018-01-03. Review status: criteria provided, single submitter. Criteria: Invitae Variant Classification Sherloc (09022015). Collection method: clinical testing. Allele origin: germline.

Eurofins Ntd Llc (ga)
Classification: Uncertain significance. Last evaluated: 2017-01-19. Review status: criteria provided, single submitter. Criteria: EGL Classification Definitions 2015. Collection method: clinical testing. Allele origin: germline. Observed: 2 variant alleles, 2 heterozygotes.

NM_001267550.2(TTN):c.14788C>G (p.Pro4930Ala)

Gene: TTN (titin; minus strand). Cytogenetic location: 2q31.2.
Variant type: single nucleotide variant.
Coding change: c.14788C>G on transcript NM_001267550.2 (MANE Select); coding-DNA position 14788, C replaced by G.
Protein change: p.Pro4930Ala; replaces proline 4930 with alanine.
Molecular consequence: missense variant. On other transcripts: intron variant (3).
Genome position (GRCh38, 1-based): chr2:178,735,658, G>C on the plus strand (C>G on the coding strand, the complement: TTN is on the minus strand). VCF-style: chr2-178735658-G-C. GRCh37 (hg19) VCF-style: chr2-179600385-G-C.
Other names: c.13837C>G, p.Pro4613Ala (NM_001256850.1); c.11056C>G, p.Pro3686Ala (NM_133378.4); c.13282+2424C>G (NM_003319.4); c.13858+2424C>G (NM_133437.4); c.13657+2424C>G (NM_133432.3); short protein forms P3686A, P4930A, P4613A.
Identifiers: ClinVar variation 332935 (VCV000332935.14), dbSNP rs201744218, ClinGen allele CA2002346.
Genomic context (GRCh38, chr2:178,735,658, plus strand): 5'-CCAAAGGAATCTCAAGTGTTGCTATTTTATCTTCAAAACAGATCTTATAATCTTTCCCTG[G>C]GGGGAGTTTTTGCCCATCTTTGCTCCACGTAACTGTGACTTTTCTGTCTTCATCTACTTG-3'
Protein context (NP_001254479.2, residues 4920-4940): TWSKDGQKLP[Pro4930Ala]GKDYKICFED